The following is an entry in ClinVar:

NM_000551.4(VHL):c.24G>A (p.Trp8Ter)

Gene: VHL (von Hippel-Lindau tumor suppressor; plus strand). Cytogenetic location: 3p25.3.
Variant type: single nucleotide variant.
Coding change: c.24G>A on transcript NM_000551.4 (MANE Select); coding-DNA position 24, G replaced by A.
Protein change: p.Trp8Ter; replaces tryptophan 8 with a stop codon.
Molecular consequence: nonsense. On other transcripts: non-coding transcript variant (1).
Genome position (GRCh38, 1-based): chr3:10,141,871, G>A. VCF-style: chr3-10141871-G-A. GRCh37 (hg19) VCF-style: chr3-10183555-G-A.
Other names: c.24G>A, p.Trp8Ter (NM_001354723.2, NM_198156.3); short protein forms W8*.
Identifiers: ClinVar variation 4843188 (VCV004843188.1).

ClinVar aggregate classification (germline): Uncertain significance (1 of 4 stars; one submission).

Conditions:
Hereditary cancer-predisposing syndrome. Also called: Neoplastic Syndromes, Hereditary; Tumor predisposition; Hereditary Cancer Syndrome; Hereditary neoplastic syndrome. Identifiers: Orphanet 140162, MedGen C0027672, MeSH D009386, MONDO:0015356.

Submission:

Ambry Genetics
Classification: Uncertain significance for Hereditary cancer-predisposing syndrome. Last evaluated: 2025-12-15. Review status: criteria provided, single submitter. Criteria: Ambry Variant Classification Scheme 2023. Collection method: clinical testing. Allele origin: germline.
Comment: The p.W8* variant (also known as c.24G>A), located in coding exon 1 of the VHL gene, results from a G to A substitution at nucleotide position 24. This changes the amino acid from a tryptophan to a stop codon within coding exon 1. Premature stop codons are typically deleterious in nature; however, an alternate initiation codon exists 46 amino acids downstream from this alteration, and is reported to result in a biologically active isoform known as VHL 19 (Iliopoulos O et al, Proc. Natl. Acad. Sci. U.S.A. 1998 Sep; 95(20):11661-6. Schoenfeld A et al, Proc. Natl. Acad. Sci. U.S.A. 1998 Jul; 95(15):8817-22). Based on the available evidence, the clinical significance of this variant remains unclear.

Literature cited by the submitters: PubMed 9671762; PubMed 9751722.